The following is an entry in ClinVar:

ClinVar aggregate classification (germline): Uncertain significance (1 of 4 stars; one submission).

Submission:

Labcorp Genetics (formerly Invitae), Labcorp
Classification: Uncertain significance. Last evaluated: 2019-07-26. Review status: criteria provided, single submitter. Criteria: Invitae Variant Classification Sherloc (09022015). Collection method: clinical testing. Allele origin: germline.
Comment: This sequence change replaces glutamic acid with lysine at codon 830 of the POLE protein (p.Glu830Lys). The glutamic acid residue is highly conserved and there is a small physicochemical difference between glutamic acid and lysine. This variant is not present in population databases (ExAC no frequency). In summary, the available evidence is currently insufficient to determine the role of this variant in disease. Therefore, it has been classified as a Variant of Uncertain Significance. Algorithms developed to predict the effect of missense changes on protein structure and function are either unavailable or do not agree on the potential impact of this missense change (SIFT: "Deleterious"; PolyPhen-2: "Probably Damaging"; Align-GVGD: "Class C0"). This variant has not been reported in the literature in individuals with POLE-related conditions.

NM_006231.4(POLE):c.2488G>A (p.Glu830Lys)

Gene: POLE (DNA polymerase epsilon, catalytic subunit; minus strand). Cytogenetic location: 12q24.33.
Variant type: single nucleotide variant.
Coding change: c.2488G>A on transcript NM_006231.4 (MANE Select); coding-DNA position 2488, G replaced by A.
Protein change: p.Glu830Lys; replaces glutamic acid 830 with lysine.
Molecular consequence: missense variant.
Genome position (GRCh38, 1-based): chr12:132,664,443, C>T on the plus strand (G>A on the coding strand, the complement: POLE is on the minus strand). VCF-style: chr12-132664443-C-T. GRCh37 (hg19) VCF-style: chr12-133241029-C-T.
Other names: short protein forms E830K.
Identifiers: ClinVar variation 959703 (VCV000959703.9), dbSNP rs2042747204, ClinGen allele CA387396595.